The following is an entry in ClinVar:

ClinVar aggregate classification (germline): Uncertain significance. Review status: criteria provided, multiple submitters, no conflicts (2 of 4 stars). 3 submissions from 3 submitters: Uncertain significance (3). Last evaluated 2026-01-11.

Conditions:
Hereditary cancer-predisposing syndrome. Also called: Tumor predisposition; Hereditary neoplastic syndrome; Hereditary Cancer Syndrome; Neoplastic Syndromes, Hereditary. Identifiers: Orphanet 140162, MedGen C0027672, MeSH D009386, MONDO:0015356.
Familial cancer of breast. Also called: BREAST CANCER, FAMILIAL; Hereditary breast cancer; hereditary breast carcinoma. Identifiers: Orphanet 227535, MedGen C0346153, MONDO:0016419, OMIM 114480. Disease mechanism: loss of function.

Submissions (3):

Ambry Genetics
Classification: Uncertain significance for Hereditary cancer-predisposing syndrome. Last evaluated: 2026-01-11. Review status: criteria provided, single submitter. Criteria: Ambry Variant Classification Scheme 2023. Collection method: clinical testing. Allele origin: germline.
Comment: The p.S356P variant (also known as c.1066T>C), located in coding exon 9 of the CHEK2 gene, results from a T to C substitution at nucleotide position 1066. The serine at codon 356 is replaced by proline, an amino acid with similar properties. This amino acid position is conserved. In addition, this alteration is predicted to be deleterious by in silico analysis. Based on the available evidence, the clinical significance of this variant remains unclear.

Baylor Genetics
Classification: Uncertain significance for Familial cancer of breast. Last evaluated: 2023-09-13. Review status: criteria provided, single submitter. Criteria: ACMG Guidelines, 2015. Collection method: clinical testing. Allele origin: unknown.

Labcorp Genetics (formerly Invitae), Labcorp
Classification: Uncertain significance for Familial cancer of breast. Last evaluated: 2022-02-04. Review status: criteria provided, single submitter. Criteria: Invitae Variant Classification Sherloc (09022015). Collection method: clinical testing. Allele origin: germline.
Comment: ClinVar contains an entry for this variant (Variation ID: 938808). In summary, the available evidence is currently insufficient to determine the role of this variant in disease. Therefore, it has been classified as a Variant of Uncertain Significance. Algorithms developed to predict the effect of missense changes on protein structure and function are either unavailable or do not agree on the potential impact of this missense change (SIFT: "Deleterious"; PolyPhen-2: "Probably Damaging"; Align-GVGD: "Class C0"). This variant has not been reported in the literature in individuals affected with CHEK2-related conditions. This variant is not present in population databases (gnomAD no frequency). This sequence change replaces serine, which is neutral and polar, with proline, which is neutral and non-polar, at codon 356 of the CHEK2 protein (p.Ser356Pro).

NM_007194.4(CHEK2):c.1066T>C (p.Ser356Pro)

Gene: CHEK2 (checkpoint kinase 2; minus strand). Cytogenetic location: 22q12.1.
Variant type: single nucleotide variant.
Coding change: c.1066T>C on transcript NM_007194.4 (MANE Select); coding-DNA position 1066, T replaced by C.
Protein change: p.Ser356Pro; replaces serine 356 with proline.
Molecular consequence: missense variant. On other transcripts: intron variant (3).
Genome position (GRCh38, 1-based): chr22:28,696,930, A>G on the plus strand (T>C on the coding strand, the complement: CHEK2 is on the minus strand). VCF-style: chr22-28696930-A-G. GRCh37 (hg19) VCF-style: chr22-29092918-A-G.
Other names: c.1195T>C, p.Ser399Pro (NM_001005735.3); c.403T>C, p.Ser135Pro (NM_001257387.3, NM_001437942.1); c.865T>C, p.Ser289Pro (NM_001349956.3); c.1159T>C, p.Ser387Pro (NM_001438293.1); c.1009-1057T>C (NM_145862.3); c.1102-1057T>C (NM_001438295.1); c.1138-1057T>C (NM_001438294.1); short protein forms S289P, S135P, S356P, S399P, S387P.
Identifiers: ClinVar variation 938808 (VCV000938808.12), dbSNP rs2052608443, ClinGen allele CA411097580.